The following is an entry in ClinVar:

ClinVar aggregate classification (germline): Uncertain significance (1 of 4 stars; one submission).

Conditions:
Cardiovascular phenotype. Identifiers: MedGen CN230736.

Submission:

Ambry Genetics
Classification: Uncertain significance for Cardiovascular phenotype. Last evaluated: 2025-09-28. Review status: criteria provided, single submitter. Criteria: Ambry Variant Classification Scheme 2023. Collection method: clinical testing. Allele origin: germline.
Comment: The p.A958T variant (also known as c.2872G>A), located in coding exon 26 of the ANK2 gene, results from a G to A substitution at nucleotide position 2872. The alanine at codon 958 is replaced by threonine, an amino acid with similar properties. This amino acid position is conserved. In addition, this alteration is predicted to be tolerated by in silico analysis. Based on the available evidence, the clinical significance of this variant remains unclear.

NM_001148.6(ANK2):c.2872G>A (p.Ala958Thr)

Gene: ANK2 (ankyrin 2; plus strand). Cytogenetic location: 4q26.
Variant type: single nucleotide variant.
Coding change: c.2872G>A on transcript NM_001148.6 (MANE Select); coding-DNA position 2872, G replaced by A.
Protein change: p.Ala958Thr; replaces alanine 958 with threonine.
Molecular consequence: missense variant.
Genome position (GRCh38, 1-based): chr4:113,318,592, G>A. VCF-style: chr4-113318592-G-A. GRCh37 (hg19) VCF-style: chr4-114239748-G-A.
Other names: c.2710G>A, p.Ala904Thr (NM_001354257.2, NM_001354253.2, NM_001354270.2 and 1 more transcripts); c.2872G>A, p.Ala958Thr (NM_001354258.2, NM_001354228.2, NM_001354232.2 and 1 more transcripts); c.2686G>A, p.Ala896Thr (NM_001354260.2, NM_001354271.2, NM_001386151.1); c.2830G>A, p.Ala944Thr (NM_001354261.2, NM_001386147.1); c.2809G>A, p.Ala937Thr (NM_001354262.2, NM_001386143.1, NM_001127493.3 and 3 more transcripts); c.2785G>A, p.Ala929Thr (NM_001354264.2, NM_001354266.2, NM_001354267.2 and 7 more transcripts); c.2869G>A, p.Ala957Thr (NM_001354265.2, NM_001354235.2, NM_001354236.2 and 1 more transcripts); c.2773G>A, p.Ala925Thr (NM_001354268.2, NM_001354245.2); and 17 more; short protein forms A891T, A896T, A925T, A946T, A953T, A973T, A939T, A962T.
Identifiers: ClinVar variation 4613546 (VCV004613546.1).